The following is an entry in ClinVar:

NM_001366845.3(ZNF106):c.3449A>G (p.Asp1150Gly)

Gene: ZNF106 (zinc finger protein 106; minus strand). Cytogenetic location: 15q15.1.
Variant type: single nucleotide variant.
Coding change: c.3449A>G on transcript NM_001366845.3 (MANE Select); coding-DNA position 3449, A replaced by G.
Protein change: p.Asp1150Gly; replaces aspartic acid 1150 with glycine.
Molecular consequence: missense variant.
Genome position (GRCh38, 1-based): chr15:42,442,387, T>C on the plus strand (A>G on the coding strand, the complement: ZNF106 is on the minus strand). VCF-style: chr15-42442387-T-C. GRCh37 (hg19) VCF-style: chr15-42734585-T-C.
Other names: c.3449A>G, p.Asp1150Gly (NM_001366846.3); c.3248A>G, p.Asp1083Gly (NM_001381993.1); c.1265A>G, p.Asp422Gly (NM_001381994.1); c.1082A>G, p.Asp361Gly (NM_001381995.1); c.1007A>G, p.Asp336Gly (NM_001381996.1); c.848A>G, p.Asp283Gly (NM_001381997.1); c.1064A>G, p.Asp355Gly (NM_001381998.1, NM_001284307.4, NM_001366844.3); c.3380A>G, p.Asp1127Gly (NM_022473.3); and 1 more; short protein forms D1083G, D1127G, D361G, D283G, D312G, D336G, D1150G, D355G.
Identifiers: ClinVar variation 2492180 (VCV002492180.25), dbSNP rs201121020, ClinGen allele CA7512540.

ClinVar aggregate classification (germline): Conflicting classifications of pathogenicity. Review status: criteria provided, conflicting classifications (1 of 4 stars). 2 submissions from 2 submitters: Uncertain significance (1); Likely benign (1). Last evaluated 2025-07-01.

Allele frequency attached by ClinVar (database versions not stated): ExAC 0.00001; TOPMed 0.00002; gnomAD 0.00003; gnomAD exomes 0.00004.
gnomAD v4.1: 70 of 1,613,590 alleles (0.0043%); highest among the groups gnomAD compares: Non-Finnish European, 0.0055%; no homozygotes.

Submissions (2):

Ambry Genetics
Classification: Uncertain significance. Last evaluated: 2025-07-01. Review status: criteria provided, single submitter. Criteria: Ambry Variant Classification Scheme 2023. Collection method: clinical testing. Allele origin: germline.

CeGaT Center for Human Genetics Tuebingen
Classification: Likely benign. Last evaluated: 2024-01-01. Review status: criteria provided, single submitter. Criteria: CeGaT Center For Human Genetics Tuebingen Variant Classification Criteria Version 2. Collection method: clinical testing. Allele origin: germline. Affected: yes. Observed: 1 variant allele.
Comment: ZNF106: BP4